The following is an entry in ClinVar:

NM_002972.4(SBF1):c.2708A>G (p.Tyr903Cys)

Gene: SBF1 (SET binding factor 1; minus strand). Cytogenetic location: 22q13.33.
Variant type: single nucleotide variant.
Coding change: c.2708A>G on transcript NM_002972.4 (MANE Select); coding-DNA position 2708, A replaced by G.
Protein change: p.Tyr903Cys; replaces tyrosine 903 with cysteine.
Molecular consequence: missense variant.
Genome position (GRCh38, 1-based): chr22:50,461,654, T>C on the plus strand (A>G on the coding strand, the complement: SBF1 is on the minus strand). VCF-style: chr22-50461654-T-C. GRCh37 (hg19) VCF-style: chr22-50900083-T-C.
Other names: c.2711A>G, p.Tyr904Cys (NM_001365819.1, NM_001410794.1); c.2708A>G, p.Tyr903Cys (NM_001410795.1, NM_197971.1); c.2708A>G (NM_002972.2); short protein forms Y903C, Y904C.
Identifiers: ClinVar variation 1904638 (VCV001904638.7), dbSNP rs762248647, ClinGen allele CA10317080.

ClinVar aggregate classification (germline): Uncertain significance. Review status: criteria provided, multiple submitters, no conflicts (2 of 4 stars). 3 submissions from 3 submitters: Uncertain significance (3). Last evaluated 2025-12-11.

Allele frequency attached by ClinVar (database versions not stated): gnomAD 0.00001; ExAC 0.00003.
gnomAD v4.1: 11 of 1,610,838 alleles (0.00068%); highest among the groups gnomAD compares: South Asian, 0.0044%; no homozygotes.

Submissions (3):

Ambry Genetics
Classification: Uncertain significance. Last evaluated: 2025-12-11. Review status: criteria provided, single submitter. Criteria: Ambry Variant Classification Scheme 2023. Collection method: clinical testing. Allele origin: germline.

Labcorp Genetics (formerly Invitae), Labcorp
Classification: Uncertain significance. Last evaluated: 2023-10-16. Review status: criteria provided, single submitter. Criteria: Invitae Variant Classification Sherloc (09022015). Collection method: clinical testing. Allele origin: germline.
Comment: This sequence change replaces tyrosine, which is neutral and polar, with cysteine, which is neutral and slightly polar, at codon 903 of the SBF1 protein (p.Tyr903Cys). This variant is present in population databases (rs762248647, gnomAD 0.003%). This variant has not been reported in the literature in individuals affected with SBF1-related conditions. ClinVar contains an entry for this variant (Variation ID: 1904638). Advanced modeling of protein sequence and biophysical properties (such as structural, functional, and spatial information, amino acid conservation, physicochemical variation, residue mobility, and thermodynamic stability) performed at Invitae indicates that this missense variant is not expected to disrupt SBF1 protein function. In summary, the available evidence is currently insufficient to determine the role of this variant in disease. Therefore, it has been classified as a Variant of Uncertain Significance.

Blueprint Genetics
Classification: Uncertain significance. Last evaluated: 2017-10-24. Review status: criteria provided, single submitter. Criteria: ACMG Guidelines, 2015. Collection method: clinical testing. Allele origin: germline.